The following is an entry in ClinVar:

NM_030773.4(TUBB1):c.435C>T (p.Ser145=)

Gene: TUBB1 (tubulin beta 1 class VI; plus strand). Cytogenetic location: 20q13.32.
Variant type: single nucleotide variant.
Coding change: c.435C>T on transcript NM_030773.4 (MANE Select); coding-DNA position 435, C replaced by T.
Protein change: p.Ser145=; no amino-acid change (serine 145 retained).
Molecular consequence: synonymous variant.
Genome position (GRCh38, 1-based): chr20:59,023,862, C>T. VCF-style: chr20-59023862-C-T. GRCh37 (hg19) VCF-style: chr20-57598917-C-T.
Identifiers: ClinVar variation 2047306 (VCV002047306.7), dbSNP rs769442145, ClinGen allele CA9928508.
Genomic context (GRCh38, chr20:59,023,862, plus strand): 5'-GAGCTGTGACTGCCTGCAGGGCTTCCAGATCGTCCACTCCCTGGGCGGGGGCACAGGCTC[C>T]GGGATGGGCACTCTGCTCATGAACAAGATTAGAGAGGAGTACCCGGACCGGATCATGAAT-3'
Protein context (NP_110400.1, residues 135-155): IVHSLGGGTG[Ser145=]GMGTLLMNKI

ClinVar aggregate classification (germline): Benign/Likely benign. Review status: criteria provided, multiple submitters, no conflicts (2 of 4 stars). 3 submissions from 3 submitters: Benign (1); Likely benign (1). 1 of the submissions does not count toward it. Last evaluated 2026-02-02.

Conditions:
TUBB1-related disorder. Also called: TUBB1-related condition.

Allele frequency attached by ClinVar (database versions not stated): gnomAD 0.00003; gnomAD exomes 0.00006; TOPMed 0.00009; ExAC 0.00019.
gnomAD v4.1: 96 of 1,613,956 alleles (0.0059%); highest among the groups gnomAD compares: Admixed American, 0.13%; 2 homozygotes.

Submissions (3):

Labcorp Genetics (formerly Invitae), Labcorp
Classification: Benign. Last evaluated: 2026-02-02. Review status: criteria provided, single submitter. Criteria: Invitae Variant Classification Sherloc (09022015). Collection method: clinical testing. Allele origin: germline.

Blueprint Genetics
Classification: Likely benign. Last evaluated: 2022-06-10. Review status: criteria provided, single submitter. Criteria: ACMG Guidelines, 2015. Collection method: clinical testing. Allele origin: germline.

PreventionGenetics, part of Exact Sciences
Classification: Likely benign for TUBB1-related condition. Last evaluated: 2021-06-02. Review status: no assertion criteria provided. Collection method: clinical testing. Allele origin: germline. Not counted in ClinVar's aggregate classification.
Comment: This variant is classified as likely benign based on ACMG/AMP sequence variant interpretation guidelines (Richards et al. 2015 PMID: 25741868, with internal and published modifications).